The following is an entry in ClinVar:

ClinVar aggregate classification (germline): Conflicting classifications of pathogenicity. Review status: criteria provided, conflicting classifications (1 of 4 stars). 2 submissions from 2 submitters: Uncertain significance (1); Benign (1). Last evaluated 2024-04-01.

Conditions:
Inborn genetic diseases. Identifiers: MedGen C0950123, MeSH D030342.
Fleck corneal dystrophy (CFD). Also called: CORNEAL DYSTROPHY, FRANCOIS-NEETENS SPECKLED OR FLECKED. Identifiers: Orphanet 98970, MedGen C1562113, MONDO:0007376, OMIM 121850.

Allele frequency attached by ClinVar (database versions not stated): gnomAD 0.00015 and 0.00016; TOPMed 0.00017; gnomAD exomes 0.00022 and 0.00033; ExAC 0.00025; ESP Exome Variant Server 0.00046.
gnomAD v4.1: 490 of 1,613,912 alleles (0.03%); highest among the groups gnomAD compares: Non-Finnish European, 0.039%; 1 homozygote.

Submissions (2):

Ambry Genetics
Classification: Uncertain significance for Inborn genetic diseases. Last evaluated: 2024-04-01. Review status: criteria provided, single submitter. Criteria: Ambry Variant Classification Scheme 2023. Collection method: clinical testing. Allele origin: germline.

Illumina Laboratory Services, Illumina
Classification: Benign for Fleck corneal dystrophy. Last evaluated: 2018-01-12. Review status: criteria provided, single submitter. Criteria: ICSL Variant Classification Criteria 13 December 2019. Collection method: clinical testing. Allele origin: germline.
Comment: This variant was observed in the ICSL laboratory as part of a predisposition screen in an ostensibly healthy population. It had not been previously curated by ICSL or reported in the Human Gene Mutation Database (HGMD: prior to June 1st, 2018), and was therefore a candidate for classification through an automated scoring system. Utilizing variant allele frequency, disease prevalence and penetrance estimates, and inheritance mode, an automated score was calculated to assess if this variant is too frequent to cause the disease. Based on the score and internal cut-off values, a variant classified as benign is not then subjected to further curation. The score for this variant resulted in a classification of benign for this disease.

NM_015040.4(PIKFYVE):c.2549C>T (p.Ala850Val)

Gene: PIKFYVE (phosphoinositide kinase, FYVE-type zinc finger containing; plus strand). Cytogenetic location: 2q34.
Variant type: single nucleotide variant.
Coding change: c.2549C>T on transcript NM_015040.4 (MANE Select); coding-DNA position 2549, C replaced by T.
Protein change: p.Ala850Val; replaces alanine 850 with valine.
Molecular consequence: missense variant.
Genome position (GRCh38, 1-based): chr2:208,325,360, C>T. VCF-style: chr2-208325360-C-T. GRCh37 (hg19) VCF-style: chr2-209190084-C-T.
Other names: short protein forms A850V.
Identifiers: ClinVar variation 333903 (VCV000333903.8), dbSNP rs144852646, ClinGen allele CA2079874.
Genomic context (GRCh38, chr2:208,325,360, plus strand): 5'-GTTGTCCACAGCACCTAGGCTGTACAATCAAGCTAAGAGGAGGCTCTGATTATGAGCTGG[C>T]TCGAGTTAAGGAGATCCTAATATTTATGATCTGTGTTGCTTATCATTCTCAACTAGAAAT-3'
Protein context (NP_055855.2, residues 840-860): KLRGGSDYEL[Ala850Val]RVKEILIFMI